The following is an entry in ClinVar:

ClinVar aggregate classification (germline): Uncertain significance (1 of 4 stars; one submission).

Conditions:
Fanconi anemia (FA). Also called: Fanconi's anemia. Identifiers: Orphanet 84, MedGen C0015625, MeSH D005199, MONDO:0019391.

Allele frequency attached by ClinVar (database versions not stated): TOPMed 0.00002.

Submission:

Sema4
Classification: Uncertain significance for Fanconi anemia. Last evaluated: 2021-05-07. Review status: criteria provided, single submitter. Criteria: Sema4 Curation Guidelines. Collection method: curation. Allele origin: germline.
Comment: The FANCD2 c.3355C>A (p.Q1119K) variant has not been reported in the literature to our knowledge. It was not observed in the large and broad cohorts of the Genome Aggregation Database (PMID: 32461654). The variant has not been reported in ClinVar. In silico tools suggest the impact of the variant on protein function is benign, though these predictions have not been confirmed by functional studies. The evidence is insufficient to meet ACMG/AMP criteria for classifying the variant as benign or pathogenic. Thus, the clinical significance of this variant is currently uncertain.

NM_001018115.3(FANCD2):c.3355C>A (p.Gln1119Lys)

Genes: FANCD2 (FA complementation group D2; plus strand), FANCD2OS (FANCD2 opposite strand; minus strand). Cytogenetic location: 3p25.3.
Variant type: single nucleotide variant.
Coding change: c.3355C>A on transcript NM_001018115.3 (MANE Select); coding-DNA position 3355, C replaced by A.
Protein change: p.Gln1119Lys; replaces glutamine 1119 with lysine.
Molecular consequence: missense variant. On other transcripts: intron variant (1).
Genome position (GRCh38, 1-based): chr3:10,087,153, C>A. VCF-style: chr3-10087153-C-A. GRCh37 (hg19) VCF-style: chr3-10128837-C-A.
Other names: c.3355C>A, p.Gln1119Lys (NM_001319984.2, NM_001374254.1, NM_033084.6); c.3244C>A, p.Gln1082Lys (NM_001374253.1); c.*44-5622G>T (NM_173472.2); short protein forms Q1082K, Q1119K.
Identifiers: ClinVar variation 1692048 (VCV001692048.1), dbSNP rs1031970731, ClinGen allele CA70029540.